The following is an entry in ClinVar:

NM_004333.6(BRAF):c.1759G>C (p.Asp587His)

Gene: BRAF (B-Raf proto-oncogene, serine/threonine kinase; minus strand). Cytogenetic location: 7q34.
Variant type: single nucleotide variant.
Coding change: c.1759G>C on transcript NM_004333.6 (MANE Select); coding-DNA position 1759, G replaced by C.
Protein change: p.Asp587His; replaces aspartic acid 587 with histidine.
Molecular consequence: missense variant.
Genome position (GRCh38, 1-based): chr7:140,753,376, C>G on the plus strand (G>C on the coding strand, the complement: BRAF is on the minus strand). VCF-style: chr7-140753376-C-G. GRCh37 (hg19) VCF-style: chr7-140453176-C-G.
Other names: c.1759G>C, p.Asp587His (NM_001354609.2, NM_001378468.1, NM_001378474.1); c.1879G>C, p.Asp627His (NM_001374244.1, NM_001374258.1); c.1768G>C, p.Asp590His (NM_001378467.1); c.1693G>C, p.Asp565His (NM_001378469.1); c.1657G>C, p.Asp553His (NM_001378470.1); c.1648G>C, p.Asp550His (NM_001378471.1); c.1603G>C, p.Asp535His (NM_001378472.1, NM_001378473.1); c.1495G>C, p.Asp499His (NM_001378475.1); short protein forms D499H, D627H, D535H, D553H, D550H, D590H, D565H, D587H.
Identifiers: ClinVar variation 5007166 (VCV005007166.2).
Genomic context (GRCh38, chr7:140,753,376, plus strand): 5'-ACCCACTCCATCGAGATTTCACTGTAGCTAGACCAAAATCACCTATTTTTACTGTGAGGT[C>G]TTCATGAAGAAATATATCTGAGGTGTAGTAAGTAAAGGAAAACAGTAGATCTCATTTTCC-3'
Protein context (NP_004324.2, residues 577-597): LKSNNIFLHE[Asp587His]LTVKIGDFGL

ClinVar aggregate classification (germline): Uncertain significance (1 of 4 stars; one submission).

Conditions:
Melanoma, cutaneous malignant, susceptibility to, 1 (CMM1). Also called: B-K MOLE SYNDROME; MELANOMA, MALIGNANT; DYSPLASTIC NEVUS SYNDROME, HEREDITARY; FAMILIAL ATYPICAL MOLE-MALIGNANT MELANOMA SYNDROME. Identifiers: Orphanet 618, MedGen C1835047, MONDO:0007963, OMIM 155600.
Cardiofaciocutaneous syndrome 1 (CFC1). Also called: BRAF-Related Cardiofaciocutaneous Syndrome. Identifiers: Orphanet 1340, MedGen CN029449, MONDO:0007265, OMIM 115150. Disease mechanism: gain of function.
LEOPARD syndrome 3 (LPRD3). Identifiers: Orphanet 500, MedGen C3150971, MONDO:0013380, OMIM 613707.
Noonan syndrome 7 (NS7). Also called: BRAF-Related Noonan Syndrome. Identifiers: Orphanet 648, MedGen C3150970, MONDO:0013379, OMIM 613706.
Lung cancer. Also called: Malignant tumor of lung; Lung cancer, somatic. Identifiers: MedGen C0242379, MONDO:0008903, OMIM 211980.
Colorectal cancer. Also called: Malignant Colorectal Neoplasm; Colorectal cancer, somatic. Identifiers: MedGen C0346629, MONDO:0005575, OMIM 114500.

Submission:

Juno Genomics, Hangzhou Juno Genomics, Inc
Classification: Uncertain significance for Lung cancer; Cardiofaciocutaneous syndrome 1; Colorectal cancer; LEOPARD syndrome 3; Melanoma, cutaneous malignant, susceptibility to, 1; Noonan syndrome 7. Review status: criteria provided, single submitter. Criteria: ACMG Guidelines, 2015. Collection method: clinical testing. Allele origin: germline.
Comment: Missense variant in a gene that has a low rate of benign missense variation.;Multiple lines of computational evidence support a deleterious effect on the gene or gene product.;Absent from controls (or at extremely low frequency if recessive) in Genome Aggregation Database.